The following is an entry in ClinVar:

ClinVar aggregate classification (germline): Uncertain significance (1 of 4 stars; one submission).

Conditions:
RP1L1-related disorder. Also called: RP1L1-related condition.

gnomAD v4.1: 6 of 1,603,732 alleles (0.00037%); highest among the groups gnomAD compares: East Asian, 0.013%; no homozygotes.

Submission:

PreventionGenetics, part of Exact Sciences
Classification: Uncertain significance for RP1L1-related condition. Last evaluated: 2025-04-30. Review status: criteria provided, single submitter. Criteria: ACMG Guidelines, 2015. Collection method: clinical testing. Allele origin: germline.
Comment: The RP1L1 c.1505A>C variant is predicted to result in the amino acid substitution p.Asp502Ala. To our knowledge, this variant has not been reported in the literature. This variant is reported in 0.031% of alleles in individuals of East Asian descent in gnomAD. At this time, the clinical significance of this variant is uncertain due to the absence of conclusive functional and genetic evidence.

NM_178857.6(RP1L1):c.1505A>C (p.Asp502Ala)

Gene: RP1L1 (RP1 like 1). Cytogenetic location: 8p23.1.
Variant type: single nucleotide variant.
Coding change: c.1505A>C on transcript NM_178857.6 (MANE Select); coding-DNA position 1505, A replaced by C.
Protein change: p.Asp502Ala; replaces aspartic acid 502 with alanine.
Molecular consequence: missense variant.
Genome position (GRCh38, 1-based): chr8:10,612,593, T>G on the plus strand (A>C on the coding strand, the complement: RP1L1 is on the minus strand). VCF-style: chr8-10612593-T-G. GRCh37 (hg19) VCF-style: chr8-10470103-T-G.
Other names: short protein forms D502A.
Identifiers: ClinVar variation 4980490 (VCV004980490.1).